The following is an entry in ClinVar:

ClinVar aggregate classification (germline): Likely benign (1 of 4 stars; one submission).

gnomAD v4.1: 11,294 of 1,304,284 alleles (0.87%); highest among the groups gnomAD compares: Non-Finnish European, 0.86%; 102 homozygotes.

Submission:

CeGaT Center for Human Genetics Tuebingen
Classification: Likely benign. Last evaluated: 2025-12-01. Review status: criteria provided, single submitter. Criteria: CeGaT Center For Human Genetics Tuebingen Variant Classification Criteria Version 2. Collection method: clinical testing. Allele origin: germline. Affected: yes. Observed: 1 variant allele.
Comment: HMCN2: BP4, BP7, BS2

NM_001291815.2(HMCN2):c.4983C>T (p.His1661=)

Gene: HMCN2 (hemicentin 2; plus strand). Cytogenetic location: 9q34.11.
Variant type: single nucleotide variant.
Coding change: c.4983C>T on transcript NM_001291815.2 (MANE Select); coding-DNA position 4983, C replaced by T.
Protein change: p.His1661=; no amino-acid change (histidine 1661 retained).
Molecular consequence: synonymous variant.
Genome position (GRCh38, 1-based): chr9:130,354,881, C>T. VCF-style: chr9-130354881-C-T. GRCh37 (hg19) VCF-style: chr9-133230268-C-T.
Identifiers: ClinVar variation 4681306 (VCV004681306.5).
Genomic context (GRCh38, chr9:130,354,881, plus strand): 5'-GAGGCCTGTGGCGCTGGAGTGCGTGGCCAGAGGCCACCCGTCCCCCACCCTCTCCTGGCA[C>T]CACGAGGGGCTGCCCGTGGCAGAGAGCAACGAGTCGCGGCTGGAGACAGACGGGAGTGTG-3'
Protein context (NP_001278744.1, residues 1651-1671): RGHPSPTLSW[His1661=]HEGLPVAESN